The following is an entry in ClinVar:

NM_018297.4(NGLY1):c.1030C>T (p.Pro344Ser)

Gene: NGLY1 (N-glycanase 1; minus strand). Cytogenetic location: 3p24.2.
Variant type: single nucleotide variant.
Coding change: c.1030C>T on transcript NM_018297.4 (MANE Select); coding-DNA position 1030, C replaced by T.
Protein change: p.Pro344Ser; replaces proline 344 with serine.
Molecular consequence: missense variant. On other transcripts: intron variant (1).
Genome position (GRCh38, 1-based): chr3:25,736,123, G>A on the plus strand (C>T on the coding strand, the complement: NGLY1 is on the minus strand). VCF-style: chr3-25736123-G-A. GRCh37 (hg19) VCF-style: chr3-25777614-G-A.
Other names: c.904C>T, p.Pro302Ser (NM_001145294.2); c.1030C>T, p.Pro344Ser (NM_001145295.2); c.1095+186C>T (NM_001145293.2); short protein forms P302S, P344S.
Identifiers: ClinVar variation 1021506 (VCV001021506.2), dbSNP rs1705807075, ClinGen allele CA351900991.

ClinVar aggregate classification (germline): Uncertain significance (1 of 4 stars; one submission).

Conditions:
Congenital disorder of deglycosylation (CDDG). Identifiers: MedGen C3808991, MONDO:0031376.

gnomAD v4.1: 2 of 1,613,698 alleles (0.00012%); highest among the groups gnomAD compares: South Asian, 0.0011%; no homozygotes.

Submission:

Labcorp Genetics (formerly Invitae), Labcorp
Classification: Uncertain significance for Congenital disorder of deglycosylation. Last evaluated: 2021-08-26. Review status: criteria provided, single submitter. Criteria: Invitae Variant Classification Sherloc (09022015). Collection method: clinical testing. Allele origin: germline.
Comment: This sequence change replaces proline with serine at codon 344 of the NGLY1 protein (p.Pro344Ser). The proline residue is weakly conserved and there is a moderate physicochemical difference between proline and serine. This variant is not present in population databases (ExAC no frequency). This variant has not been reported in the literature in individuals affected with NGLY1-related conditions. Algorithms developed to predict the effect of missense changes on protein structure and function output the following: SIFT: "Tolerated"; PolyPhen-2: "Benign"; Align-GVGD: "Class C0". The serine amino acid residue is found in multiple mammalian species, which suggests that this missense change does not adversely affect protein function. In summary, the available evidence is currently insufficient to determine the role of this variant in disease. Therefore, it has been classified as a Variant of Uncertain Significance.